The following is an entry in ClinVar:

NM_001308093.3(GATA4):c.727G>A (p.Gly243Ser)

Gene: GATA4 (GATA binding protein 4). Cytogenetic location: 8p23.1.
Variant type: single nucleotide variant.
Coding change: c.727G>A on transcript NM_001308093.3 (MANE Select); coding-DNA position 727, G replaced by A.
Protein change: p.Gly243Ser; replaces glycine 243 with serine.
Molecular consequence: missense variant.
Genome position (GRCh38, 1-based): chr8:11,749,026, G>A. VCF-style: chr8-11749026-G-A. GRCh37 (hg19) VCF-style: chr8-11606535-G-A.
Other names: c.106G>A, p.Gly36Ser (NM_001308094.2, NM_001374273.1, NM_001374274.1); c.724G>A, p.Gly242Ser (NM_002052.5); short protein forms G242S, G243S, G36S.
Identifiers: ClinVar variation 404065 (VCV000404065.11), dbSNP rs1060500082, ClinGen allele CA16612345.
Genomic context (GRCh38, chr8:11,749,026, plus strand): 5'-GCTATGTCCACCCCGCTCTGGAGGCGAGATGGGACGGGTCACTATCTGTGCAACGCCTGC[G>A]GCCTCTACCACAAGATGAACGGCATCAACCGGCCGCTCATCAAGCCTCAGCGCCGGCTGG-3'
Protein context (NP_001295022.1, residues 233-253): GTGHYLCNAC[Gly243Ser]LYHKMNGINR

ClinVar aggregate classification (germline): Uncertain significance. Review status: criteria provided, multiple submitters, no conflicts (2 of 4 stars). 3 submissions from 3 submitters: Uncertain significance (3). Last evaluated 2025-10-27.

Conditions:
Atrioventricular septal defect 4 (AVSD4). Identifiers: MedGen C3280781, MONDO:0013747, OMIM 614430.
Cardiovascular phenotype. Identifiers: MedGen CN230736.

Allele frequency attached by ClinVar (database versions not stated): gnomAD exomes below 0.00001; gnomAD 0.00001.
gnomAD v4.1: 3 of 1,614,098 alleles (0.00019%); highest among the groups gnomAD compares: African/African-American, 0.0013%; no homozygotes.

Submissions (3):

Ambry Genetics
Classification: Uncertain significance for Cardiovascular phenotype. Last evaluated: 2025-10-27. Review status: criteria provided, single submitter. Criteria: Ambry Variant Classification Scheme 2023. Collection method: clinical testing. Allele origin: germline.
Comment: The p.G242S variant (also known as c.724G>A), located in coding exon 2 of the GATA4 gene, results from a G to A substitution at nucleotide position 724. The glycine at codon 242 is replaced by serine, an amino acid with similar properties. This amino acid position is conserved. In addition, this alteration is predicted to be deleterious by in silico analysis. Based on the available evidence, the clinical significance of this variant remains unclear.

Labcorp Genetics (formerly Invitae), Labcorp
Classification: Uncertain significance for Atrioventricular septal defect 4. Last evaluated: 2025-03-17. Review status: criteria provided, single submitter. Criteria: Invitae Variant Classification Sherloc (09022015). Collection method: clinical testing. Allele origin: germline.
Comment: This sequence change replaces glycine, which is neutral and non-polar, with serine, which is neutral and polar, at codon 242 of the GATA4 protein (p.Gly242Ser). This variant is present in population databases (no rsID available, gnomAD 0.0009%). This variant has not been reported in the literature in individuals affected with GATA4-related conditions. ClinVar contains an entry for this variant (Variation ID: 404065). Invitae Evidence Modeling of protein sequence and biophysical properties (such as structural, functional, and spatial information, amino acid conservation, physicochemical variation, residue mobility, and thermodynamic stability) indicates that this missense variant is expected to disrupt GATA4 protein function with a positive predictive value of 95%. In summary, the available evidence is currently insufficient to determine the role of this variant in disease. Therefore, it has been classified as a Variant of Uncertain Significance.

GeneDx
Classification: Uncertain significance. Last evaluated: 2024-08-29. Review status: criteria provided, single submitter. Criteria: GeneDx Variant Classification Process June 2021. Collection method: clinical testing. Allele origin: germline. Affected: yes.
Comment: Not observed at significant frequency in large population cohorts (gnomAD); In silico analysis supports that this missense variant has a deleterious effect on protein structure/function; Has not been previously published as pathogenic or benign to our knowledge